The following is an entry in ClinVar:

NM_004104.5(FASN):c.1354A>G (p.Ser452Gly)

Gene: FASN (fatty acid synthase; minus strand). Cytogenetic location: 17q25.3.
Variant type: single nucleotide variant.
Coding change: c.1354A>G on transcript NM_004104.5 (MANE Select); coding-DNA position 1354, A replaced by G.
Protein change: p.Ser452Gly; replaces serine 452 with glycine.
Molecular consequence: missense variant.
Genome position (GRCh38, 1-based): chr17:82,091,360, T>C on the plus strand (A>G on the coding strand, the complement: FASN is on the minus strand). VCF-style: chr17-82091360-T-C. GRCh37 (hg19) VCF-style: chr17-80049236-T-C.
Other names: short protein forms S452G.
Identifiers: ClinVar variation 2306783 (VCV002306783.6), dbSNP rs2034203749, ClinGen allele CA401560620.
Genomic context (GRCh38, chr17:82,091,360, plus strand): 5'-CAGCGTAGCCACGGAAGGGCATGGCGGTGGCGGGGACAGCCGCGATGTCGTTCAGCATGC[T>C]CAGGAAAGCCAGGTCCTGGCTGTGCCGGAGGCCCTGCTCCAGCAGCTTCTGCACGGCCTC-3'
Protein context (NP_004095.4, residues 442-462): LRHSQDLAFL[Ser452Gly]MLNDIAAVPA

ClinVar aggregate classification (germline): Uncertain significance. Review status: criteria provided, multiple submitters, no conflicts (2 of 4 stars). 2 submissions from 2 submitters: Uncertain significance (2). Last evaluated 2025-03-27.

Conditions:
Epileptic encephalopathy. Identifiers: MedGen C0543888, HP:0200134.

Allele frequency attached by ClinVar (database versions not stated): TOPMed below 0.00001; gnomAD exomes 0.00001.
gnomAD v4.1: 17 of 1,610,998 alleles (0.0011%); highest among the groups gnomAD compares: Non-Finnish European, 0.0014%; no homozygotes.

Submissions (2):

Ambry Genetics
Classification: Uncertain significance. Last evaluated: 2025-03-27. Review status: criteria provided, single submitter. Criteria: Ambry Variant Classification Scheme 2023. Collection method: clinical testing. Allele origin: germline.

Labcorp Genetics (formerly Invitae), Labcorp
Classification: Uncertain significance for Epileptic encephalopathy. Last evaluated: 2023-09-19. Review status: criteria provided, single submitter. Criteria: Invitae Variant Classification Sherloc (09022015). Collection method: clinical testing. Allele origin: germline.
Comment: This variant is not present in population databases (gnomAD no frequency). This sequence change replaces serine, which is neutral and polar, with glycine, which is neutral and non-polar, at codon 452 of the FASN protein (p.Ser452Gly). This variant has not been reported in the literature in individuals affected with FASN-related conditions. In summary, the available evidence is currently insufficient to determine the role of this variant in disease. Therefore, it has been classified as a Variant of Uncertain Significance. An algorithm developed to predict the effect of missense changes on protein structure and function (PolyPhen-2) suggests that this variant is likely to be tolerated. ClinVar contains an entry for this variant (Variation ID: 2306783).